The following is an entry in ClinVar:

NM_001557.4(CXCR2):c.662del (p.Ile221fs)

Gene: CXCR2 (C-X-C motif chemokine receptor 2; plus strand). Cytogenetic location: 2q35.
Variant type: Deletion.
Coding change: c.662del on transcript NM_001557.4 (MANE Select); coding-DNA position 662, one base deleted (T; older notation c.662delT).
Protein change: p.Ile221fs; shifts the reading frame from isoleucine 221.
Molecular consequence: frameshift variant.
Genome position (GRCh38, 1-based): chr2:218,135,463, T deleted. VCF-style (leftmost placement, unchanged base first): chr2-218135462-AT-A. GRCh37 (hg19) VCF-style: chr2-219000185-AT-A.
Other names: c.662del, p.Ile221fs (NM_001168298.2); short protein forms I221fs.
Identifiers: ClinVar variation 1914495 (VCV001914495.5), dbSNP rs776719750, ClinGen allele CA2101744.

ClinVar aggregate classification (germline): Pathogenic (1 of 4 stars; one submission).

Allele frequency attached by ClinVar (database versions not stated): TOPMed below 0.00001; gnomAD exomes 0.00001; ExAC 0.00002.

Submission:

Labcorp Genetics (formerly Invitae), Labcorp
Classification: Pathogenic. Last evaluated: 2023-10-18. Review status: criteria provided, single submitter. Criteria: Invitae Variant Classification Sherloc (09022015). Collection method: clinical testing. Allele origin: germline.
Comment: This sequence change creates a premature translational stop signal (p.Ile221Thrfs*5) in the CXCR2 gene. While this is not anticipated to result in nonsense mediated decay, it is expected to disrupt the last 140 amino acid(s) of the CXCR2 protein. This variant is present in population databases (rs776719750, gnomAD 0.02%). This variant has not been reported in the literature in individuals affected with CXCR2-related conditions. ClinVar contains an entry for this variant (Variation ID: 1914495). This variant disrupts a region of the CXCR2 protein in which other variant(s) (p.His323Leufs*7) have been determined to be pathogenic (PMID: 24777453). This suggests that this is a clinically significant region of the protein, and that variants that disrupt it are likely to be disease-causing. For these reasons, this variant has been classified as Pathogenic.

Literature cited by the submitters: PubMed 24777453.